The following is an entry in ClinVar:

NM_080732.4(EGLN2):c.493C>G (p.Leu165Val)

Genes: RAB4B-EGLN2 (RAB4B-EGLN2 readthrough (NMD candidate); plus strand), EGLN2 (egl-9 family hypoxia inducible factor 2; plus strand). Cytogenetic location: 19q13.2.
Variant type: single nucleotide variant.
Coding change: c.493C>G on transcript NM_080732.4 (MANE Select); coding-DNA position 493, C replaced by G.
Protein change: p.Leu165Val; replaces leucine 165 with valine.
Molecular consequence: missense variant. On other transcripts: non-coding transcript variant (1).
Genome position (GRCh38, 1-based): chr19:40,801,065, C>G. VCF-style: chr19-40801065-C-G. GRCh37 (hg19) VCF-style: chr19-41306970-C-G.
Other names: c.493C>G, p.Leu165Val (NM_053046.4); short protein forms L165V.
Identifiers: ClinVar variation 1744256 (VCV001744256.2), dbSNP rs2083253299, ClinGen allele CA405955377.

ClinVar aggregate classification (germline): Uncertain significance (1 of 4 stars; one submission).

Submission:

Ambry Genetics
Classification: Uncertain significance. Last evaluated: 2022-06-21. Review status: criteria provided, single submitter. Criteria: Ambry Variant Classification Scheme 2023. Collection method: clinical testing. Allele origin: germline.
Comment: The p.L165V variant (also known as c.493C>G), located in coding exon 1 of the EGLN2 gene, results from a C to G substitution at nucleotide position 493. The leucine at codon 165 is replaced by valine, an amino acid with highly similar properties. This amino acid position is conserved. In addition, this alteration is predicted to be tolerated by in silico analysis. Since supporting evidence is limited at this time, the clinical significance of this alteration remains unclear.